The following is an entry in ClinVar:

ClinVar aggregate classification (germline): Conflicting classifications of pathogenicity. Review status: criteria provided, conflicting classifications (1 of 4 stars). 3 submissions from 3 submitters: Uncertain significance (2); Likely benign (1). Last evaluated 2024-09-03.

Conditions:
Hereditary cancer-predisposing syndrome. Also called: Neoplastic Syndromes, Hereditary; Hereditary Cancer Syndrome; Tumor predisposition; Hereditary neoplastic syndrome. Identifiers: Orphanet 140162, MedGen C0027672, MeSH D009386, MONDO:0015356.
Hereditary breast ovarian cancer syndrome. Also called: Hereditary breast and ovarian cancer syndrome; Hereditary breast and ovarian cancer syndrome (HBOC); BRCA1- and BRCA2-Associated Hereditary Breast and Ovarian Cancer; Hereditary breast and ovarian cancer; Hereditary breast and/or ovarian cancer syndrome; Breast and ovarian cancer. Identifiers: Orphanet 145, MedGen C0677776, MeSH D061325, MONDO:0003582. Disease mechanism: loss of function.

Submissions (3):

Ambry Genetics
Classification: Uncertain significance for Hereditary cancer-predisposing syndrome. Last evaluated: 2024-09-03. Review status: criteria provided, single submitter. Criteria: Ambry Variant Classification Scheme 2023. Collection method: clinical testing. Allele origin: germline.
Comment: The p.F697L variant (also known as c.2089T>C), located in coding exon 9 of the BRCA1 gene, results from a T to C substitution at nucleotide position 2089. The phenylalanine at codon 697 is replaced by leucine, an amino acid with highly similar properties. This amino acid position is not well conserved in available vertebrate species. In addition, the in silico prediction for this alteration is inconclusive. Based on the available evidence, the clinical significance of this variant remains unclear.

University of Washington Department of Laboratory Medicine, University of Washington
Classification: Likely benign for Hereditary cancer-predisposing syndrome. Last evaluated: 2023-03-23. Review status: criteria provided, single submitter. Criteria: Dines et al. (Genet Med. 2020). Collection method: curation. Allele origin: germline.
Comment: Missense variant in a coldspot region where missense variants are very unlikely to be pathogenic (PMID:31911673).

BRCA1 coldspot (exon 11 using historical exon numbering). Reclassification based on statistical prior probability

Labcorp Genetics (formerly Invitae), Labcorp
Classification: Uncertain significance for Hereditary breast ovarian cancer syndrome. Last evaluated: 2022-01-17. Review status: criteria provided, single submitter. Criteria: Invitae Variant Classification Sherloc (09022015). Collection method: clinical testing. Allele origin: germline.
Comment: This sequence change replaces phenylalanine, which is neutral and non-polar, with leucine, which is neutral and non-polar, at codon 697 of the BRCA1 protein (p.Phe697Leu). This variant is not present in population databases (gnomAD no frequency). In summary, the available evidence is currently insufficient to determine the role of this variant in disease. Therefore, it has been classified as a Variant of Uncertain Significance. Advanced modeling of protein sequence and biophysical properties (such as structural, functional, and spatial information, amino acid conservation, physicochemical variation, residue mobility, and thermodynamic stability) performed at Invitae indicates that this missense variant is not expected to disrupt BRCA1 protein function. ClinVar contains an entry for this variant (Variation ID: 1038907). This variant has not been reported in the literature in individuals affected with BRCA1-related conditions.

NM_007294.4(BRCA1):c.2089T>C (p.Phe697Leu)

Gene: BRCA1 (BRCA1 DNA repair associated; minus strand). Cytogenetic location: 17q21.31.
Variant type: single nucleotide variant.
Coding change: c.2089T>C on transcript NM_007294.4 (MANE Select); coding-DNA position 2089, T replaced by C.
Protein change: p.Phe697Leu; replaces phenylalanine 697 with leucine.
Molecular consequence: missense variant. On other transcripts: intron variant (137).
Genome position (GRCh38, 1-based): chr17:43,093,442, A>G on the plus strand (T>C on the coding strand, the complement: BRCA1 is on the minus strand). VCF-style: chr17-43093442-A-G. GRCh37 (hg19) VCF-style: chr17-41245459-A-G.
Other names: c.643+1302T>C (NM_001408464.1, NM_001408468.1, NM_001408470.1 and 3 more transcripts); c.523+1302T>C (NM_001408498.1, NM_001408501.1, NM_001408500.1 and 3 more transcripts); c.646+1302T>C (NM_001408467.1, NM_001408459.1, NM_001408455.1 and 11 more transcripts); c.583+1302T>C (NM_001408475.1); c.709+1302T>C (NM_001408412.1, NM_001408409.1, NM_001408414.1 and 2 more transcripts); c.451+1302T>C (NM_001408509.1, NM_001408508.1); c.574+1302T>C (NM_001408491.1, NM_001408493.1, NM_001408490.1); c.460+2404T>C (NM_001408506.1, NM_001408507.1); and 40 more; short protein forms F650L, F697L, F627L, F694L, F696L, F529L, F608L, F629L.
Identifiers: ClinVar variation 1038907 (VCV001038907.11), dbSNP rs2053828310, ClinGen allele CA10597824.